The following is an entry in ClinVar:

ClinVar aggregate classification (germline): Likely benign. Review status: criteria provided, multiple submitters, no conflicts (2 of 4 stars). 2 submissions from 2 submitters: Likely benign (2). Last evaluated 2025-05-01.

gnomAD v4.1: 2 of 1,614,000 alleles (0.00012%); highest among the groups gnomAD compares: Non-Finnish European, 0.00017%; no homozygotes.

Submissions (2):

CeGaT Center for Human Genetics Tuebingen
Classification: Likely benign. Last evaluated: 2025-05-01. Review status: criteria provided, single submitter. Criteria: CeGaT Center For Human Genetics Tuebingen Variant Classification Criteria Version 2. Collection method: clinical testing. Allele origin: germline. Affected: yes. Observed: 1 variant allele.
Comment: MYO18B: BP4, BP7

Labcorp Genetics (formerly Invitae), Labcorp
Classification: Likely benign. Last evaluated: 2025-01-29. Review status: criteria provided, single submitter. Criteria: Invitae Variant Classification Sherloc (09022015). Collection method: clinical testing. Allele origin: germline.

NM_032608.7(MYO18B):c.7173G>A (p.Val2391=)

Gene: MYO18B (myosin XVIIIB; plus strand). Cytogenetic location: 22q12.1.
Variant type: single nucleotide variant.
Coding change: c.7173G>A on transcript NM_032608.7 (MANE Select); coding-DNA position 7173, G replaced by A.
Protein change: p.Val2391=; no amino-acid change (valine 2391 retained).
Molecular consequence: synonymous variant.
Genome position (GRCh38, 1-based): chr22:26,027,147, G>A. VCF-style: chr22-26027147-G-A. GRCh37 (hg19) VCF-style: chr22-26423113-G-A.
Other names: c.7176G>A, p.Val2392= (NM_001318245.2).
Identifiers: ClinVar variation 3605844 (VCV003605844.12).